The following is an entry in ClinVar:

NM_022081.6(HPS4):c.427A>G (p.Ile143Val)

Gene: HPS4 (HPS4 biogenesis of lysosomal organelles complex 3 subunit 2; minus strand). Cytogenetic location: 22q12.1.
Variant type: single nucleotide variant.
Coding change: c.427A>G on transcript NM_022081.6 (MANE Select); coding-DNA position 427, A replaced by G.
Protein change: p.Ile143Val; replaces isoleucine 143 with valine.
Molecular consequence: missense variant. On other transcripts: non-coding transcript variant (8).
Genome position (GRCh38, 1-based): chr22:26,472,376, T>C on the plus strand (A>G on the coding strand, the complement: HPS4 is on the minus strand). VCF-style: chr22-26472376-T-C. GRCh37 (hg19) VCF-style: chr22-26868342-T-C.
Other names: c.427A>G, p.Ile143Val (NM_001349896.1, NM_001349898.2, NM_001349899.2 and 6 more transcripts); c.412A>G, p.Ile138Val (NM_152841.2); c.427A>G (NM_022081.4); short protein forms I143V, I138V.
Identifiers: ClinVar variation 1356811 (VCV001356811.7), dbSNP rs754216377, ClinGen allele CA10163710.
Genomic context (GRCh38, chr22:26,472,376, plus strand): 5'-AGTTCCAGAGGGAATTGAAAATCTTATGCAGATCACTGGTGTTTTTCAGAATTTGCTCGA[T>C]GAAGGTGTCCCACTCCGTGCTCAGTTCTTCCTGAGAACAGTTCTAAAACAGAAAGAGCCT-3'
Protein context (NP_071364.4, residues 133-153): EELSTEWDTF[Ile143Val]EQILKNTSDL

ClinVar aggregate classification (germline): Uncertain significance. Review status: criteria provided, multiple submitters, no conflicts (2 of 4 stars). 2 submissions from 2 submitters: Uncertain significance (2). Last evaluated 2025-10-30.

Conditions:
Inborn genetic diseases. Identifiers: MedGen C0950123, MeSH D030342.

Allele frequency attached by ClinVar (database versions not stated): gnomAD exomes 0.00008 and 0.00004; ExAC 0.00004; TOPMed 0.00008; gnomAD 0.00009 and 0.00010.
gnomAD v4.1: 127 of 1,613,786 alleles (0.0079%); highest among the groups gnomAD compares: African/African-American, 0.011%; no homozygotes.

Submissions (2):

Ambry Genetics
Classification: Uncertain significance for Inborn genetic diseases. Last evaluated: 2025-10-30. Review status: criteria provided, single submitter. Criteria: Ambry Variant Classification Scheme 2023. Collection method: clinical testing. Allele origin: germline.

Labcorp Genetics (formerly Invitae), Labcorp
Classification: Uncertain significance. Last evaluated: 2022-03-17. Review status: criteria provided, single submitter. Criteria: Invitae Variant Classification Sherloc (09022015). Collection method: clinical testing. Allele origin: germline.
Comment: This sequence change replaces isoleucine, which is neutral and non-polar, with valine, which is neutral and non-polar, at codon 143 of the HPS4 protein (p.Ile143Val). This variant is present in population databases (rs754216377, gnomAD 0.01%). This variant has not been reported in the literature in individuals affected with HPS4-related conditions. Algorithms developed to predict the effect of missense changes on protein structure and function are either unavailable or do not agree on the potential impact of this missense change (SIFT: "Tolerated"; PolyPhen-2: "Probably Damaging"; Align-GVGD: "Class C15"). In summary, the available evidence is currently insufficient to determine the role of this variant in disease. Therefore, it has been classified as a Variant of Uncertain Significance.